The following is an entry in ClinVar:

ClinVar aggregate classification (germline): Uncertain significance (1 of 4 stars; one submission).

Conditions:
Inborn genetic diseases. Identifiers: MedGen C0950123, MeSH D030342.

Submission:

Ambry Genetics
Classification: Uncertain significance for Inborn genetic diseases. Last evaluated: 2025-06-30. Review status: criteria provided, single submitter. Criteria: Ambry Variant Classification Scheme 2023. Collection method: clinical testing. Allele origin: germline.
Comment: The p.L261P variant (also known as c.782T>C), located in coding exon 7 of the HAX1 gene, results from a T to C substitution at nucleotide position 782. The leucine at codon 261 is replaced by proline, an amino acid with similar properties. This amino acid position is conserved. In addition, the in silico prediction for this alteration is inconclusive. Based on the available evidence, the clinical significance of this variant remains unclear.

NM_006118.4(HAX1):c.782T>C (p.Leu261Pro)

Gene: HAX1 (HCLS1 associated protein X-1; plus strand). Cytogenetic location: 1q21.3.
Variant type: single nucleotide variant.
Coding change: c.782T>C on transcript NM_006118.4 (MANE Select); coding-DNA position 782, T replaced by C.
Protein change: p.Leu261Pro; replaces leucine 261 with proline.
Molecular consequence: missense variant.
Genome position (GRCh38, 1-based): chr1:154,275,643, T>C. VCF-style: chr1-154275643-T-C. GRCh37 (hg19) VCF-style: chr1-154248119-T-C.
Other names: c.638T>C, p.Leu213Pro (NM_001018837.2); short protein forms L261P, L213P.
Identifiers: ClinVar variation 4269023 (VCV004269023.1).
Genomic context (GRCh38, chr1:154,275,643, plus strand): 5'-TAGCCTATTTACGTGTATGACTTTCTTCCTTAGATCCAGAATCACCAAGACCTCCAGCCC[T>C]GGATGATGCCTTTTCCATCCTGGACTTATTCCTGGGACGTTGGTTCCGGTCCCGGTAGCC-3'
Protein context (NP_006109.2, residues 251-271): GDPESPRPPA[Leu261Pro]DDAFSILDLF